The following is an entry in ClinVar:

NM_000548.5(TSC2):c.1037T>C (p.Ile346Thr)

Gene: TSC2 (TSC complex subunit 2; plus strand). Cytogenetic location: 16p13.3.
Variant type: single nucleotide variant.
Coding change: c.1037T>C on transcript NM_000548.5 (MANE Select); coding-DNA position 1037, T replaced by C.
Protein change: p.Ile346Thr; replaces isoleucine 346 with threonine.
Molecular consequence: missense variant. On other transcripts: 5 prime UTR variant (10), non-coding transcript variant (5).
Genome position (GRCh38, 1-based): chr16:2,060,731, T>C. VCF-style: chr16-2060731-T-C. GRCh37 (hg19) VCF-style: chr16-2110732-T-C.
Other names: c.1025T>C, p.Ile342Thr (NM_001406673.1, NM_001406671.1); c.890T>C, p.Ile297Thr (NM_001406675.1, NM_001406676.1, NM_001406679.1 and 1 more transcripts); c.980T>C, p.Ile327Thr (NM_001406677.1); c.926T>C, p.Ile309Thr (NM_001406678.1, NM_001406670.1, NM_001318827.2); c.437T>C, p.Ile146Thr (NM_001406680.1, NM_001406682.1, NM_001406683.1 and 6 more transcripts); c.575T>C, p.Ile192Thr (NM_001406681.1); c.-395T>C (NM_001406689.1, NM_001406690.1, NM_001406691.1 and 4 more transcripts); c.-276T>C (NM_001406694.1, NM_001406695.1); and 4 more; short protein forms I146T, I192T, I297T, I309T, I327T, I342T, I346T, I357T.
Identifiers: ClinVar variation 3069226 (VCV003069226.1), dbSNP rs2151136498, ClinGen allele CA394317696.

ClinVar aggregate classification (germline): Uncertain significance (1 of 4 stars; one submission).

Conditions:
Tuberous sclerosis syndrome (TSC). Also called: Tuberous sclerosis; Tuberous Sclerosis Complex. Identifiers: Orphanet 805, MedGen C0041341, MONDO:0001734.

Submission:

All of Us Research Program, National Institutes of Health
Classification: Uncertain significance for Tuberous sclerosis syndrome. Last evaluated: 2022-12-05. Review status: criteria provided, single submitter. Criteria: ACMG Guidelines, 2015. Collection method: clinical testing. Allele origin: germline. Inheritance: Autosomal dominant inheritance. Observed: 1 variant allele, 1 heterozygote.
Comment: This missense variant replaces isoleucine with threonine at codon 346 of the TSC2 protein. Computational prediction suggests that this variant may have deleterious impact on protein structure and function (internally defined REVEL score threshold >= 0.7, PMID: 27666373). To our knowledge, functional studies have not been reported for this variant. This variant has not been reported in individuals affected with tuberous sclerosis complex in the literature. This variant has not been identified in the general population by the Genome Aggregation Database (gnomAD). The available evidence is insufficient to determine the role of this variant in disease conclusively. Therefore, this variant is classified as a Variant of Uncertain Significance.

This study involves interpretation of variants in research participants for the purpose of population health screening. Participant phenotype was not available at the time of variant classification. Additional details can be found in publication PMID: 35346344, PMCID: PMC8962531